The following is an entry in ClinVar:

ClinVar aggregate classification (germline): Pathogenic. Review status: criteria provided, multiple submitters, no conflicts (2 of 4 stars). 2 submissions from 2 submitters: Pathogenic (2). Last evaluated 2025-03-22.

Conditions:
Meckel-Gruber syndrome. Also called: DYSENCEPHALIA SPLANCHNOCYSTICA; GRUBER SYNDROME; Dysencephalia splachnocystica. Identifiers: Orphanet 564, MedGen C0265215, MONDO:0018921.
Joubert syndrome. Also called: JOUBERT-BOLTSHAUSER SYNDROME; Familial aplasia of the vermis. Identifiers: Orphanet 475, MedGen C5979921, MONDO:0018772.
Nephronophthisis. Also called: Juvenile Nephronophthisis. Identifiers: Orphanet 655, MedGen C0687120, MONDO:0019005, HP:0000090.
CEP290-related ciliopathy. Also called: CEP290 ciliopathy. Identifiers: MedGen CN305601, MONDO:0100451.

Allele frequency attached by ClinVar (database versions not stated): gnomAD exomes below 0.00001.
gnomAD v4.1: 1 of 1,613,374 alleles (0.000062%); highest among the groups gnomAD compares: South Asian, 0.0011%; no homozygotes.

Submissions (2):

Myriad Genetics, Inc.
Classification: Pathogenic for CEP290-related ciliopathy. Last evaluated: 2025-03-22. Review status: criteria provided, single submitter. Criteria: Myriad Autosomal Dominant, Autosomal Recessive and X-Linked Classification Criteria (2023). Collection method: clinical testing. Allele origin: unknown.
Comment: NM_025114.3(CEP290):c.1585C>T(Q529*) is expected to be pathogenic in the context of CEP290-related disorders. This variant is predicted to lead to an abnormal or absent protein product due to the creation of a premature termination codon in CEP290, a gene where loss-of-function variants are known to be pathogenic. Please note: this variant was assessed in the context of healthy population screening.

Labcorp Genetics (formerly Invitae), Labcorp
Classification: Pathogenic for Joubert syndrome; Meckel-Gruber syndrome; Nephronophthisis. Last evaluated: 2023-02-16. Review status: criteria provided, single submitter. Criteria: Invitae Variant Classification Sherloc (09022015). Collection method: clinical testing. Allele origin: germline.
Comment: This sequence change creates a premature translational stop signal (p.Gln529*) in the CEP290 gene. It is expected to result in an absent or disrupted protein product. Loss-of-function variants in CEP290 are known to be pathogenic (PMID: 16909394, 17345604, 20690115). This variant is present in population databases (no rsID available, gnomAD 0.003%). This variant has not been reported in the literature in individuals affected with CEP290-related conditions. Algorithms developed to predict the effect of sequence changes on RNA splicing suggest that this variant may disrupt the consensus splice site. For these reasons, this variant has been classified as Pathogenic.

Literature cited by the submitters: PubMed 16909394 (cited by Labcorp Genetics (formerly Invitae), Labcorp); PubMed 17345604 (cited by Labcorp Genetics (formerly Invitae), Labcorp); PubMed 20690115 (cited by Labcorp Genetics (formerly Invitae), Labcorp).

NM_025114.4(CEP290):c.1585C>T (p.Gln529Ter)

Gene: CEP290 (centrosomal protein 290; minus strand). Cytogenetic location: 12q21.32.
Variant type: single nucleotide variant.
Coding change: c.1585C>T on transcript NM_025114.4 (MANE Select); coding-DNA position 1585, C replaced by T.
Protein change: p.Gln529Ter; replaces glutamine 529 with a stop codon.
Molecular consequence: nonsense.
Genome position (GRCh38, 1-based): chr12:88,118,681, G>A on the plus strand (C>T on the coding strand, the complement: CEP290 is on the minus strand). VCF-style: chr12-88118681-G-A. GRCh37 (hg19) VCF-style: chr12-88512458-G-A.
Other names: short protein forms Q529*.
Identifiers: ClinVar variation 2944334 (VCV002944334.4), dbSNP rs1325063481, ClinGen allele CA385979284.
Genomic context (GRCh38, chr12:88,118,681, plus strand): 5'-ATCAACTGACTACCACACTTGCCTCTTTCAAAAGAATCTGGTTTTCAGCTCTGTACTGCT[G>A]CTGTTTTAAGTGTTTGCTATTTCTAAATTCAGTTAAATCAATCATTGTCTTTGGTTCAAG-3'